The following is an entry in ClinVar:

NC_000005.9:g.(?_121402438)_(121413680_?)del

Gene: LOX (lysyl oxidase; minus strand). Cytogenetic location: 5q23.2.
Variant type: Deletion.
Identifiers: ClinVar variation 2424404 (VCV002424404.4).

ClinVar aggregate classification (germline): Pathogenic (1 of 4 stars; one submission).

Submission:

Labcorp Genetics (formerly Invitae), Labcorp
Classification: Pathogenic. Last evaluated: 2023-06-02. Review status: criteria provided, single submitter. Criteria: Invitae Variant Classification Sherloc (09022015). Collection method: clinical testing. Allele origin: germline.
Comment: For these reasons, this variant has been classified as Pathogenic. This variant has not been reported in the literature in individuals affected with LOX-related conditions. A gross deletion of the genomic region encompassing the full coding sequence of the LOX gene has been identified. Loss-of-function variants in LOX are known to be pathogenic (PMID: 12417550, 26838787, 27432961). The boundaries of this event are unknown as they extend beyond the assayed region for this gene and therefore may encompass additional genes.

Literature cited by the submitters: PubMed 12417550; PubMed 26838787; PubMed 27432961.